The following is an entry in ClinVar:

ClinVar aggregate classification (germline): Uncertain significance (1 of 4 stars; one submission).

Conditions:
Fibrous dysplasia of jaw (CRBM). Also called: Cherubism. Identifiers: Orphanet 184, MedGen C0008029, MONDO:0007315, OMIM 118400.

Allele frequency attached by ClinVar (database versions not stated): gnomAD 0.00001; ExAC 0.00002; gnomAD exomes 0.00002; TOPMed 0.00002.
gnomAD v4.1: 29 of 1,614,108 alleles (0.0018%); highest among the groups gnomAD compares: Non-Finnish European, 0.0024%; no homozygotes.

Submission:

Labcorp Genetics (formerly Invitae), Labcorp
Classification: Uncertain significance for Fibrous dysplasia of jaw. Last evaluated: 2025-07-27. Review status: criteria provided, single submitter. Criteria: Invitae Variant Classification Sherloc (09022015). Collection method: clinical testing. Allele origin: germline.
Comment: This sequence change affects codon 508 of the SH3BP2 mRNA. It is a 'silent' change, meaning that it does not change the encoded amino acid sequence of the SH3BP2 protein. This variant is present in population databases (rs749099956, gnomAD 0.004%). This variant has not been reported in the literature in individuals affected with SH3BP2-related conditions. ClinVar contains an entry for this variant (Variation ID: 2152479). Algorithms developed to predict the effect of sequence changes on RNA splicing suggest that this variant may disrupt the consensus splice site. In summary, the available evidence is currently insufficient to determine the role of this variant in disease. Therefore, it has been classified as a Variant of Uncertain Significance.

NM_001122681.2(SH3BP2):c.1524G>A (p.Val508=)

Gene: SH3BP2 (SH3 domain binding protein 2; plus strand). Cytogenetic location: 4p16.3.
Variant type: single nucleotide variant.
Coding change: c.1524G>A on transcript NM_001122681.2 (MANE Select); coding-DNA position 1524, G replaced by A.
Protein change: p.Val508=; no amino-acid change (valine 508 retained).
Molecular consequence: synonymous variant.
Genome position (GRCh38, 1-based): chr4:2,833,025, G>A. VCF-style: chr4-2833025-G-A. GRCh37 (hg19) VCF-style: chr4-2834752-G-A.
Other names: c.1608G>A, p.Val536= (NM_001145855.2); c.1695G>A, p.Val565= (NM_001145856.2); c.1524G>A, p.Val508= (NM_003023.4).
Identifiers: ClinVar variation 2152479 (VCV002152479.4), dbSNP rs749099956, ClinGen allele CA2819602.